The following is an entry in ClinVar:

NM_198721.4(COL25A1):c.441C>A (p.Gly147=)

Gene: COL25A1 (collagen type XXV alpha 1 chain; minus strand). Cytogenetic location: 4q25.
Variant type: single nucleotide variant.
Coding change: c.441C>A on transcript NM_198721.4 (MANE Select); coding-DNA position 441, C replaced by A.
Protein change: p.Gly147=; no amino-acid change (glycine 147 retained).
Molecular consequence: synonymous variant. On other transcripts: non-coding transcript variant (1).
Genome position (GRCh38, 1-based): chr4:108,974,557, G>T on the plus strand (C>A on the coding strand, the complement: COL25A1 is on the minus strand). VCF-style: chr4-108974557-G-T. GRCh37 (hg19) VCF-style: chr4-109895713-G-T.
Other names: c.441C>A, p.Gly147= (NM_001256074.3, NM_032518.4).
Identifiers: ClinVar variation 714989 (VCV000714989.5), dbSNP rs201621437, ClinGen allele CA3039811.

ClinVar aggregate classification (germline): Benign/Likely benign. Review status: criteria provided, multiple submitters, no conflicts (2 of 4 stars). 2 submissions from 2 submitters: Benign (1); Likely benign (1). Last evaluated 2025-08-05.

Conditions:
COL25A1-related disorder. Also called: COL25A1-related condition.

Allele frequency attached by ClinVar (database versions not stated): gnomAD exomes 0.00040 and 0.00076; ExAC 0.00070; ESP Exome Variant Server 0.00153; 1000 Genomes Project 0.00180; 1000 Genomes Project 30x 0.00187; gnomAD 0.00252 and 0.00267; TOPMed 0.00265.
gnomAD v4.1: 945 of 1,573,222 alleles (0.06%); highest among the groups gnomAD compares: African/African-American, 0.54%; 3 homozygotes.

Submissions (2):

PreventionGenetics, part of Exact Sciences
Classification: Likely benign for COL25A1-related condition. Last evaluated: 2025-08-05. Review status: criteria provided, single submitter. Criteria: ACMG Guidelines, 2015. Collection method: clinical testing. Allele origin: germline.
Comment: This variant is classified as likely benign based on ACMG/AMP sequence variant interpretation guidelines (Richards et al. 2015 PMID: 25741868, with internal and published modifications).

Labcorp Genetics (formerly Invitae), Labcorp
Classification: Benign. Last evaluated: 2019-12-31. Review status: criteria provided, single submitter. Criteria: Invitae Variant Classification Sherloc (09022015). Collection method: clinical testing. Allele origin: germline.